The following is an entry in ClinVar:

NM_001297.5(CNGB1):c.2165T>C (p.Ile722Thr)

Gene: CNGB1 (cyclic nucleotide gated channel subunit beta 1; minus strand). Cytogenetic location: 16q21.
Variant type: single nucleotide variant.
Coding change: c.2165T>C on transcript NM_001297.5 (MANE Select); coding-DNA position 2165, T replaced by C.
Protein change: p.Ile722Thr; replaces isoleucine 722 with threonine.
Molecular consequence: missense variant.
Genome position (GRCh38, 1-based): chr16:57,917,269, A>G on the plus strand (T>C on the coding strand, the complement: CNGB1 is on the minus strand). VCF-style: chr16-57917269-A-G. GRCh37 (hg19) VCF-style: chr16-57951173-A-G.
Other names: c.2165T>C (NM_001297.4); c.2147T>C, p.Ile716Thr (NM_001286130.2); short protein forms I716T, I722T.
Identifiers: ClinVar variation 1923254 (VCV001923254.6), dbSNP rs759940951, ClinGen allele CA8083162.

ClinVar aggregate classification (germline): Uncertain significance. Review status: criteria provided, multiple submitters, no conflicts (2 of 4 stars). 2 submissions from 2 submitters: Uncertain significance (2). Last evaluated 2024-04-24.

Conditions:
Inborn genetic diseases. Identifiers: MedGen C0950123, MeSH D030342.

Allele frequency attached by ClinVar (database versions not stated): gnomAD exomes 0.00001; TOPMed 0.00001; ExAC 0.00005.
gnomAD v4.1: 9 of 1,612,210 alleles (0.00056%); highest among the groups gnomAD compares: East Asian, 0.02%; no homozygotes.

Submissions (2):

Ambry Genetics
Classification: Uncertain significance for Inborn genetic diseases. Last evaluated: 2024-04-24. Review status: criteria provided, single submitter. Criteria: Ambry Variant Classification Scheme 2023. Collection method: clinical testing. Allele origin: germline.

Labcorp Genetics (formerly Invitae), Labcorp
Classification: Uncertain significance. Last evaluated: 2021-12-16. Review status: criteria provided, single submitter. Criteria: Invitae Variant Classification Sherloc (09022015). Collection method: clinical testing. Allele origin: germline.
Comment: Algorithms developed to predict the effect of missense changes on protein structure and function are either unavailable or do not agree on the potential impact of this missense change (SIFT: "Deleterious"; PolyPhen-2: "Probably Damaging"; Align-GVGD: "Class C0"). This variant has not been reported in the literature in individuals affected with CNGB1-related conditions. This variant is present in population databases (rs759940951, gnomAD 0.1%). This sequence change replaces isoleucine, which is neutral and non-polar, with threonine, which is neutral and polar, at codon 722 of the CNGB1 protein (p.Ile722Thr). In summary, the available evidence is currently insufficient to determine the role of this variant in disease. Therefore, it has been classified as a Variant of Uncertain Significance.